The following is an entry in ClinVar:

NM_001128840.3(CACNA1D):c.521T>G (p.Val174Gly)

Gene: CACNA1D (calcium voltage-gated channel subunit alpha1 D; plus strand). Cytogenetic location: 3p21.1.
Variant type: single nucleotide variant.
Coding change: c.521T>G on transcript NM_001128840.3 (MANE Select); coding-DNA position 521, T replaced by G.
Protein change: p.Val174Gly; replaces valine 174 with glycine.
Molecular consequence: missense variant.
Genome position (GRCh38, 1-based): chr3:53,650,816, T>G. VCF-style: chr3-53650816-T-G. GRCh37 (hg19) VCF-style: chr3-53684843-T-G.
Other names: c.521T>G, p.Val174Gly (NM_000720.4, NM_001128839.3); short protein forms V174G.
Identifiers: ClinVar variation 4745860 (VCV004745860.1).

ClinVar aggregate classification (germline): Uncertain significance (1 of 4 stars; one submission).

gnomAD v4.1: 1 of 1,613,882 alleles (0.000062%); no homozygotes.

Submission:

Labcorp Genetics (formerly Invitae), Labcorp
Classification: Uncertain significance. Last evaluated: 2026-01-13. Review status: criteria provided, single submitter. Criteria: Invitae Variant Classification Sherloc (09022015). Collection method: clinical testing. Allele origin: germline.
Comment: This sequence change replaces valine, which is neutral and non-polar, with glycine, which is neutral and non-polar, at codon 174 of the CACNA1D protein (p.Val174Gly). This variant is not present in population databases (gnomAD no frequency). This variant has not been reported in the literature in individuals affected with CACNA1D-related conditions. Invitae Evidence Modeling of protein sequence and biophysical properties (such as structural, functional, and spatial information, amino acid conservation, physicochemical variation, residue mobility, and thermodynamic stability) indicates that this missense variant is not expected to disrupt CACNA1D protein function with a negative predictive value of 80%. Algorithms developed to predict the effect of sequence changes on RNA splicing suggest that this variant may create or strengthen a splice site. In summary, the available evidence is currently insufficient to determine the role of this variant in disease. Therefore, it has been classified as a Variant of Uncertain Significance.